The following is an entry in ClinVar:

NM_001371596.2(MFSD8):c.133dup (p.Thr45fs)

Gene: MFSD8 (major facilitator superfamily domain containing 8; minus strand). Cytogenetic location: 4q28.2.
Variant type: Duplication.
Coding change: c.133dup on transcript NM_001371596.2 (MANE Select); coding-DNA position 133, one base duplicated (A; older notation c.133dupA).
Protein change: p.Thr45fs; shifts the reading frame from threonine 45.
Molecular consequence: frameshift variant. On other transcripts: 5 prime UTR variant (3).
Genome position (GRCh38, 1-based): chr4:127,957,522, T duplicated on the plus strand (A on the coding strand, the reverse complement: MFSD8 is on the minus strand). VCF-style (leftmost placement, unchanged base first): chr4-127957521-G-GT. GRCh37 (hg19) VCF-style: chr4-128878676-G-GT.
Other names: c.133dup, p.Thr45fs (NM_001363520.3, NM_001363521.3, NM_001371591.2 and 5 more transcripts); c.-3dup (NM_001371590.2, NM_001371595.1, NM_001410765.1); short protein forms T45fs.
Identifiers: ClinVar variation 2838228 (VCV002838228.3), dbSNP rs2546240643, ClinGen allele CA2672040803.

ClinVar aggregate classification (germline): Pathogenic (1 of 4 stars; one submission).

Conditions:
Neuronal ceroid lipofuscinosis 7 (CLN7). Also called: MFSD8-Related Neuronal Ceroid-Lipofuscinosis. Identifiers: Orphanet 168491, Orphanet 228366, MedGen C1838571, MONDO:0012588, OMIM 610951.

Allele frequency attached by ClinVar (database versions not stated): gnomAD exomes below 0.00001.

Submission:

Labcorp Genetics (formerly Invitae), Labcorp
Classification: Pathogenic for Neuronal ceroid lipofuscinosis 7. Last evaluated: 2023-02-16. Review status: criteria provided, single submitter. Criteria: Invitae Variant Classification Sherloc (09022015). Collection method: clinical testing. Allele origin: germline.
Comment: This sequence change creates a premature translational stop signal (p.Thr45Asnfs*24) in the MFSD8 gene. It is expected to result in an absent or disrupted protein product. Loss-of-function variants in MFSD8 are known to be pathogenic (PMID: 19177532, 25227500, 28586915). This variant is not present in population databases (gnomAD no frequency). This variant has not been reported in the literature in individuals affected with MFSD8-related conditions. For these reasons, this variant has been classified as Pathogenic.

Literature cited by the submitters: PubMed 19177532; PubMed 25227500; PubMed 28586915.